The following is an entry in ClinVar:

NM_004958.4(MTOR):c.3578C>T (p.Pro1193Leu)

Gene: MTOR (mechanistic target of rapamycin kinase; minus strand). Cytogenetic location: 1p36.22.
Variant type: single nucleotide variant.
Coding change: c.3578C>T on transcript NM_004958.4 (MANE Select); coding-DNA position 3578, C replaced by T.
Protein change: p.Pro1193Leu; replaces proline 1193 with leucine.
Molecular consequence: missense variant.
Genome position (GRCh38, 1-based): chr1:11,210,890, G>A on the plus strand (C>T on the coding strand, the complement: MTOR is on the minus strand). VCF-style: chr1-11210890-G-A. GRCh37 (hg19) VCF-style: chr1-11270947-G-A.
Other names: c.3578C>T, p.Pro1193Leu (NM_001386500.1); c.2330C>T, p.Pro777Leu (NM_001386501.1); short protein forms P777L, P1193L.
Identifiers: ClinVar variation 1908982 (VCV001908982.7), dbSNP rs2523092247, ClinGen allele CA338372351.

ClinVar aggregate classification (germline): Conflicting classifications of pathogenicity. Review status: criteria provided, conflicting classifications (1 of 4 stars). 3 submissions from 3 submitters: Uncertain significance (2); Benign (1). Last evaluated 2023-10-03.

Allele frequency attached by ClinVar (database versions not stated): gnomAD exomes below 0.00001.
gnomAD v4.1: 5 of 1,612,978 alleles (0.00031%); highest among the groups gnomAD compares: Non-Finnish European, 0.00042%; no homozygotes.

Submissions (3):

Labcorp Genetics (formerly Invitae), Labcorp
Classification: Benign. Last evaluated: 2023-10-03. Review status: criteria provided, single submitter. Criteria: Invitae Variant Classification Sherloc (09022015). Collection method: clinical testing. Allele origin: germline.

GeneDx
Classification: Uncertain significance. Last evaluated: 2023-01-12. Review status: criteria provided, single submitter. Criteria: GeneDx Variant Classification Process June 2021. Collection method: clinical testing. Allele origin: germline. Affected: yes.
Comment: Not observed at significant frequency in large population cohorts (gnomAD); In silico analysis supports that this missense variant has a deleterious effect on protein structure/function; Has not been previously published as pathogenic or benign to our knowledge

Blueprint Genetics
Classification: Uncertain significance. Last evaluated: 2019-01-03. Review status: criteria provided, single submitter. Criteria: ACMG Guidelines, 2015. Collection method: clinical testing. Allele origin: germline.